The following is an entry in ClinVar:

NM_001365951.3(KIF1B):c.2401C>G (p.Pro801Ala)

Gene: KIF1B (kinesin family member 1B; plus strand). Cytogenetic location: 1p36.22.
Variant type: single nucleotide variant.
Coding change: c.2401C>G on transcript NM_001365951.3 (MANE Select); coding-DNA position 2401, C replaced by G.
Protein change: p.Pro801Ala; replaces proline 801 with alanine.
Molecular consequence: missense variant.
Genome position (GRCh38, 1-based): chr1:10,323,926, C>G. VCF-style: chr1-10323926-C-G. GRCh37 (hg19) VCF-style: chr1-10383984-C-G.
Other names: c.2401C>G, p.Pro801Ala (NM_001365952.1); c.2263C>G, p.Pro755Ala (NM_015074.3); short protein forms P801A, P755A.
Identifiers: ClinVar variation 4543632 (VCV004543632.1).

ClinVar aggregate classification (germline): Uncertain significance (1 of 4 stars; one submission).

Submission:

Ambry Genetics
Classification: Uncertain significance. Last evaluated: 2025-09-29. Review status: criteria provided, single submitter. Criteria: Ambry Variant Classification Scheme 2023. Collection method: clinical testing. Allele origin: germline.
Comment: The p.P755A variant (also known as c.2263C>G), located in coding exon 22 of the KIF1B gene, results from a C to G substitution at nucleotide position 2263. The proline at codon 755 is replaced by alanine, an amino acid with highly similar properties. This amino acid position is conserved. In addition, the in silico prediction for this alteration is inconclusive. Based on the available evidence, the clinical significance of this variant remains unclear.